The following is an entry in ClinVar:

NM_016180.5(SLC45A2):c.1256C>T (p.Pro419Leu)

Gene: SLC45A2 (solute carrier family 45 member 2; minus strand). Cytogenetic location: 5p13.2.
Variant type: single nucleotide variant.
Coding change: c.1256C>T on transcript NM_016180.5 (MANE Select); coding-DNA position 1256, C replaced by T.
Protein change: p.Pro419Leu; replaces proline 419 with leucine.
Molecular consequence: missense variant.
Genome position (GRCh38, 1-based): chr5:33,947,275, G>A on the plus strand (C>T on the coding strand, the complement: SLC45A2 is on the minus strand). VCF-style: chr5-33947275-G-A. GRCh37 (hg19) VCF-style: chr5-33947380-G-A.
Other names: c.1256C>T (NM_016180.3, NM_016180.4); c.1256C>T, p.Pro419Leu (NM_001012509.4); short protein forms P419L.
Identifiers: ClinVar variation 1451395 (VCV001451395.15), dbSNP rs530738094, ClinGen allele CA3225515.

ClinVar aggregate classification (germline): Pathogenic/Likely pathogenic. Review status: criteria provided, multiple submitters, no conflicts (2 of 4 stars). 7 submissions from 7 submitters: Pathogenic (4); Likely pathogenic (2). 1 of the submissions does not count toward it. Last evaluated 2024-07-31.

Conditions:
SKIN/HAIR/EYE PIGMENTATION 5, BLACK/NONBLACK HAIR (SHEP5). Also called: SKIN/HAIR/EYE PIGMENTATION, VARIATION IN, 5; SKIN/HAIR/EYE PIGMENTATION 5, DARK/FAIR SKIN; SKIN/HAIR/EYE PIGMENTATION 5, DARK/LIGHT EYES. Identifiers: MedGen C2673584, OMIM 227240.
Oculocutaneous albinism type 4 (OCA4). Also called: Albinism, oculocutaneous, type IV. Identifiers: Orphanet 79435, MedGen C1847836, MONDO:0011683, OMIM 606574.
SLC45A2-related disorder. Also called: SLC45A2-related condition.

Allele frequency attached by ClinVar (database versions not stated): 1000 Genomes Project 30x 0.00016; gnomAD 0.00004; 1000 Genomes Project 0.00020; TOPMed 0.00003.
gnomAD v4.1: 52 of 1,614,158 alleles (0.0032%); highest among the groups gnomAD compares: Non-Finnish European, 0.0037%; no homozygotes.

Submissions (7):

Labcorp Genetics (formerly Invitae), Labcorp
Classification: Pathogenic. Last evaluated: 2024-07-31. Review status: criteria provided, single submitter. Criteria: Invitae Variant Classification Sherloc (09022015). Collection method: clinical testing. Allele origin: germline.
Comment: This sequence change replaces proline, which is neutral and non-polar, with leucine, which is neutral and non-polar, at codon 419 of the SLC45A2 protein (p.Pro419Leu). This variant is present in population databases (rs530738094, gnomAD 0.006%). This missense change has been observed in individual(s) with oculocutaneous albinism type 4 (PMID: 19865097, 21287499, 28976636). In at least one individual the data is consistent with being in trans (on the opposite chromosome) from a pathogenic variant. It has also been observed to segregate with disease in related individuals. ClinVar contains an entry for this variant (Variation ID: 1451395). Advanced modeling of protein sequence and biophysical properties (such as structural, functional, and spatial information, amino acid conservation, physicochemical variation, residue mobility, and thermodynamic stability) performed at Invitae indicates that this missense variant is expected to disrupt SLC45A2 protein function with a positive predictive value of 80%. For these reasons, this variant has been classified as Pathogenic.

Fulgent Genetics
Classification: Pathogenic for SKIN/HAIR/EYE PIGMENTATION 5, BLACK/NONBLACK HAIR; Oculocutaneous albinism type 4. Last evaluated: 2024-04-11. Review status: criteria provided, single submitter. Criteria: ACMG Guidelines, 2015. Collection method: clinical testing. Allele origin: germline.

Women's Health and Genetics/Laboratory Corporation of America, LabCorp
Classification: Pathogenic for Oculocutaneous albinism type 4. Last evaluated: 2024-04-08. Review status: criteria provided, single submitter. Criteria: LabCorp Variant Classification Summary - May 2015. Collection method: clinical testing. Allele origin: germline.
Comment: Variant summary: SLC45A2 c.1256C>T (p.Pro419Leu) results in a non-conservative amino acid change in the encoded protein sequence. Five of five in-silico tools predict a damaging effect of the variant on protein function. The variant allele was found at a frequency of 4e-05 in 251482 control chromosomes (gnomAD). c.1256C>T has been reported in the literature in multiple individuals affected with Oculocutaneous albinism type 4 (e.g. Lasseuax_2018, Wei_2022). These data indicate that the variant is very likely to be associated with disease. The following publications have been ascertained in the context of this evaluation (PMID: 34838614, 29345414). ClinVar contains an entry for this variant (Variation ID: 1451395). Based on the evidence outlined above, the variant was classified as pathogenic.

Blueprint Genetics
Classification: Likely pathogenic for SLC45A2-related disorders. Last evaluated: 2023-11-06. Review status: criteria provided, single submitter. Criteria: ACMG Guidelines, 2015. Collection method: clinical testing. Allele origin: germline. Affected: yes. Observed: 3 variant alleles.

GeneDx
Classification: Likely pathogenic. Last evaluated: 2023-06-22. Review status: criteria provided, single submitter. Criteria: GeneDx Variant Classification Process June 2021. Collection method: clinical testing. Allele origin: germline. Affected: yes.
Comment: In silico analysis supports that this missense variant has a deleterious effect on protein structure/function; This variant is associated with the following publications: (PMID: 21287499, 34838614, 19865097, 28976636)

Juno Genomics, Hangzhou Juno Genomics, Inc
Classification: Pathogenic for Oculocutaneous albinism type 4. Review status: criteria provided, single submitter. Criteria: ACMG Guidelines, 2015. Collection method: clinical testing. Allele origin: germline. Affected: yes.
Comment: Absent from controls (or at extremely low frequency if recessive) in Genome Aggregation Database, Exome Sequencing Project, 1000 Genomes Project, or Exome Aggregation Consortium.;For recessive disorders, detected in trans with a pathogenic variant.;Patient's phenotype or family history is highly specific for a disease with a single genetic etiology.;Multiple lines of computational evidence support a deleterious effect on the gene or gene product (conservation, evolutionary, splicing impact, etc).

PreventionGenetics, part of Exact Sciences
Classification: Likely pathogenic for SLC45A2-related condition. Last evaluated: 2024-08-02. Review status: no assertion criteria provided. Collection method: clinical testing. Allele origin: germline. Not counted in ClinVar's aggregate classification.
Comment: The SLC45A2 c.1256C>T variant is predicted to result in the amino acid substitution p.Pro419Leu. This variant has been reported in the compound heterozygous state in individuals with oculocutaneous albinism (Wei et al. 2010. PubMed ID: 19865097; mislabeled as p.Pro491Leu, Marti et al. 2017. PubMed ID: 28976636; Table S1, Wei et al 2021. PubMed ID: 34838614). This variant is reported in 0.0065% of alleles in individuals of South Asian descent in gnomAD. Given the evidence, we interpret this variant as likely pathogenic.

Literature cited by the submitters: PubMed 19865097 (cited by Labcorp Genetics (formerly Invitae), Labcorp); PubMed 21287499 (cited by Labcorp Genetics (formerly Invitae), Labcorp); PubMed 28976636 (cited by Labcorp Genetics (formerly Invitae), Labcorp); PubMed 29345414 (cited by Women's Health and Genetics/Laboratory Corporation of America, LabCorp); PubMed 34838614 (cited by Women's Health and Genetics/Laboratory Corporation of America, LabCorp).